The following is an entry in ClinVar:

ClinVar aggregate classification (germline): Likely pathogenic (1 of 4 stars; one submission).

Conditions:
Inborn genetic diseases. Identifiers: MedGen C0950123, MeSH D030342.

Submission:

Ambry Genetics
Classification: Likely pathogenic for Inborn genetic diseases. Last evaluated: 2025-07-24. Review status: criteria provided, single submitter. Criteria: Ambry Variant Classification Scheme 2023. Collection method: clinical testing. Allele origin: germline.
Comment: The c.3493A>G (p.K1165E) alteration is located in exon 28 (coding exon 27) of the CHD2 gene. This alteration results from an A to G substitution at nucleotide position 3493, causing the lysine (K) at amino acid position 1165 to be replaced by a glutamic acid (E). This variant was not reported in population-based cohorts in the Genome Aggregation Database (gnomAD). This amino acid position is highly conserved in available vertebrate species. This missense alteration is located in a region that has a low rate of benign missense variation (Lek, 2016; Firth, 2009). This alteration is predicted to be deleterious by in silico analysis. Based on the available evidence, this alteration is classified as likely pathogenic.

NM_001271.4(CHD2):c.3493A>G (p.Lys1165Glu)

Gene: CHD2 (chromodomain helicase DNA binding protein 2; plus strand). Cytogenetic location: 15q26.1.
Variant type: single nucleotide variant.
Coding change: c.3493A>G on transcript NM_001271.4 (MANE Select); coding-DNA position 3493, A replaced by G.
Protein change: p.Lys1165Glu; replaces lysine 1165 with glutamic acid.
Molecular consequence: missense variant.
Genome position (GRCh38, 1-based): chr15:92,992,896, A>G. VCF-style: chr15-92992896-A-G. GRCh37 (hg19) VCF-style: chr15-93536126-A-G.
Other names: short protein forms K1165E.
Identifiers: ClinVar variation 4227743 (VCV004227743.1).
Genomic context (GRCh38, chr15:92,992,896, plus strand): 5'-TCCCCATATTTGTTCCTCCTCAGGCTGGAGTGCATAGCACGTGATGCTGAGCTGGTAGAT[A>G]AGTCGGTGGCAGATCTGAAGCGCCTGGGTGAACTGATCCACAACAGCTGTGTGTCAGCAA-3'
Protein context (NP_001262.3, residues 1155-1175): CIARDAELVD[Lys1165Glu]SVADLKRLGE